The following is an entry in ClinVar:

NM_024675.4(PALB2):c.3026C>T (p.Pro1009Leu)

Gene: PALB2 (partner and localizer of BRCA2; minus strand). Cytogenetic location: 16p12.2.
Variant type: single nucleotide variant.
Coding change: c.3026C>T on transcript NM_024675.4 (MANE Select); coding-DNA position 3026, C replaced by T.
Protein change: p.Pro1009Leu; replaces proline 1009 with leucine.
Molecular consequence: missense variant.
Genome position (GRCh38, 1-based): chr16:23,621,449, G>A on the plus strand (C>T on the coding strand, the complement: PALB2 is on the minus strand). VCF-style: chr16-23621449-G-A. GRCh37 (hg19) VCF-style: chr16-23632770-G-A.
Other names: short protein forms P1009L.
Identifiers: ClinVar variation 830185 (VCV000830185.4), dbSNP rs552354535, ClinGen allele CA279533305.

ClinVar aggregate classification (germline): Uncertain significance. Review status: criteria provided, single submitter (1 of 4 stars). 2 submissions from 2 submitters: Uncertain significance (1). 1 of the submissions does not count toward it. Last evaluated 2024-01-04.

Conditions:
Familial cancer of breast. Also called: BREAST CANCER, FAMILIAL; hereditary breast carcinoma; Hereditary breast cancer. Identifiers: Orphanet 227535, MedGen C0346153, MONDO:0016419, OMIM 114480. Disease mechanism: loss of function.
Carcinoma of colon (CRC). Also called: Colonic carcinoma; Colon carcinoma. Identifiers: MedGen C0699790, MONDO:0002032.

Allele frequency attached by ClinVar (database versions not stated): gnomAD 0.00001; 1000 Genomes Project 30x 0.00016; 1000 Genomes Project 0.00020.
gnomAD v4.1: 1 of 1,613,962 alleles (0.000062%); highest among the groups gnomAD compares: South Asian, 0.0011%; no homozygotes.

Submissions (2):

Labcorp Genetics (formerly Invitae), Labcorp
Classification: Uncertain significance for Familial cancer of breast. Last evaluated: 2024-01-04. Review status: criteria provided, single submitter. Criteria: Invitae Variant Classification Sherloc (09022015). Collection method: clinical testing. Allele origin: germline.
Comment: This sequence change replaces proline, which is neutral and non-polar, with leucine, which is neutral and non-polar, at codon 1009 of the PALB2 protein (p.Pro1009Leu). This variant is not present in population databases (gnomAD no frequency). This variant has not been reported in the literature in individuals affected with PALB2-related conditions. ClinVar contains an entry for this variant (Variation ID: 830185). Advanced modeling of protein sequence and biophysical properties (such as structural, functional, and spatial information, amino acid conservation, physicochemical variation, residue mobility, and thermodynamic stability) performed at Invitae indicates that this missense variant is expected to disrupt PALB2 protein function with a positive predictive value of 80%. In summary, the available evidence is currently insufficient to determine the role of this variant in disease. Therefore, it has been classified as a Variant of Uncertain Significance.

Leiden Open Variation Database
Classification: Uncertain significance for Colorectal cancer. Last evaluated: 2017-01-31. Review status: no assertion criteria provided. Collection method: curation. Allele origin: germline. Affected: yes. Not counted in ClinVar's aggregate classification.
Comment: Curators: Marc Tischkowitz, Arleen D. Auerbach. Submitter to LOVD: Melissa DeRycke.